The following is an entry in ClinVar:

NM_004656.4(BAP1):c.1760G>A (p.Arg587Lys)

Gene: BAP1 (BRCA1 associated deubiquitinase 1; minus strand). Cytogenetic location: 3p21.1.
Variant type: single nucleotide variant.
Coding change: c.1760G>A on transcript NM_004656.4 (MANE Select); coding-DNA position 1760, G replaced by A.
Protein change: p.Arg587Lys; replaces arginine 587 with lysine.
Molecular consequence: missense variant.
Genome position (GRCh38, 1-based): chr3:52,403,268, C>T on the plus strand (G>A on the coding strand, the complement: BAP1 is on the minus strand). VCF-style: chr3-52403268-C-T. GRCh37 (hg19) VCF-style: chr3-52437284-C-T.
Other names: c.1706G>A, p.Arg569Lys (NM_001410772.1); short protein forms R587K, R569K.
Identifiers: ClinVar variation 1779576 (VCV001779576.5), dbSNP rs1705027442, ClinGen allele CA353099131.

ClinVar aggregate classification (germline): Uncertain significance. Review status: criteria provided, multiple submitters, no conflicts (2 of 4 stars). 2 submissions from 2 submitters: Uncertain significance (2). Last evaluated 2023-02-14.

Conditions:
Hereditary cancer-predisposing syndrome. Also called: Neoplastic Syndromes, Hereditary; Tumor predisposition; Hereditary Cancer Syndrome; Hereditary neoplastic syndrome. Identifiers: Orphanet 140162, MedGen C0027672, MeSH D009386, MONDO:0015356.
BAP1-related tumor predisposition syndrome (TPDS1). Also called: BAP1 tumor predisposition syndrome; Tumor susceptibility linked to germline BAP1 mutations; COMMON Syndrome; TUMOR PREDISPOSITION SYNDROME 1. Identifiers: Orphanet 289539, MedGen C3280492, MONDO:0013692, OMIM 614327.

Submissions (2):

Labcorp Genetics (formerly Invitae), Labcorp
Classification: Uncertain significance for BAP1-related tumor predisposition syndrome. Last evaluated: 2023-02-14. Review status: criteria provided, single submitter. Criteria: Invitae Variant Classification Sherloc (09022015). Collection method: clinical testing. Allele origin: germline.
Comment: This variant has not been reported in the literature in individuals affected with BAP1-related conditions. ClinVar contains an entry for this variant (Variation ID: 1779576). Advanced modeling of protein sequence and biophysical properties (such as structural, functional, and spatial information, amino acid conservation, physicochemical variation, residue mobility, and thermodynamic stability) performed at Invitae indicates that this missense variant is not expected to disrupt BAP1 protein function. In summary, the available evidence is currently insufficient to determine the role of this variant in disease. Therefore, it has been classified as a Variant of Uncertain Significance. This variant is not present in population databases (gnomAD no frequency). This sequence change replaces arginine, which is basic and polar, with lysine, which is basic and polar, at codon 587 of the BAP1 protein (p.Arg587Lys).

Ambry Genetics
Classification: Uncertain significance for Hereditary cancer-predisposing syndrome. Last evaluated: 2020-06-09. Review status: criteria provided, single submitter. Criteria: Ambry Variant Classification Scheme 2023. Collection method: clinical testing. Allele origin: germline.
Comment: The p.R587K variant (also known as c.1760G>A), located in coding exon 14 of the BAP1 gene, results from a G to A substitution at nucleotide position 1760. The arginine at codon 587 is replaced by lysine, an amino acid with highly similar properties. This amino acid position is well conserved in available vertebrate species. In addition, this alteration is predicted to be tolerated by in silico analysis. Since supporting evidence is limited at this time, the clinical significance of this alteration remains unclear.